The following is an entry in ClinVar:

ClinVar aggregate classification (germline): Pathogenic/Likely pathogenic. Review status: criteria provided, multiple submitters, no conflicts (2 of 4 stars). 11 submissions from 10 submitters: Pathogenic (8); Likely pathogenic (1). 2 of the submissions do not count toward it. Last evaluated 2026-08-07.

Conditions:
Hearing loss, autosomal recessive 57. Also called: DEAFNESS, AUTOSOMAL RECESSIVE 57. Identifiers: MedGen C4693893, MONDO:0033201, OMIM 618003.
PDZD7-related disorder. Also called: PDZD7-related disorders; PDZD7-related condition.
Hearing loss, autosomal recessive. Also called: Nonsyndromic Hearing Loss, Recessive; Rare autosomal recessive non-syndromic sensorineural deafness type DFNB; Autosomal recessive nonsyndromic deafness; Deafness, autosomal recessive. Identifiers: Orphanet 90635, Orphanet 90636, MedGen C1846647, MONDO:0019588, OMIM 607197.
Usher syndrome type 2C. Also called: Usher syndrome, type 2B; USHER SYNDROME, TYPE IIC. Identifiers: Orphanet 231178, Orphanet 886, MedGen C2931213, MONDO:0011558, OMIM 605472.
Usher syndrome type 2A. Also called: USHER SYNDROME, TYPE IIA; RETINAL DISEASE IN USHER SYNDROME TYPE IIA, MODIFIER OF. Identifiers: Orphanet 231178, Orphanet 886, MedGen C1848634, MONDO:0010169, OMIM 276901.

Submissions (11):

PreventionGenetics, part of Exact Sciences
Classification: Likely pathogenic for PDZD7-related condition. Last evaluated: 2026-08-07. Review status: criteria provided, single submitter. Criteria: ACMG Guidelines, 2015. Collection method: clinical testing. Allele origin: germline.
Comment: The PDZD7 c.166dupC variant is predicted to result in a frameshift and premature protein termination (p.Arg56Profs*24). This variant has been reported in the homozygous or compound heterozygous state with a pathogenic variant in individuals with non-syndromic hearing loss (Guan et al. 2017. PubMed ID: 29048736; Vallian Broojeni et al. 2023. PubMed ID: 37561809). This variant was also reported to have occurred de novo in an individual with Usher syndrome who was also homozygous for a frameshift variant in the USH2A gene; the PDZD7 variant was described as a modifier variant as an affected sibling homozygous for the USH2A frameshift variant and negative for this variant presented with a milder phenotype (Ebermann et al. 2010. PubMed ID: 20440071). Frameshift variants in PDZD7 are expected to be pathogenic. This variant is interpreted as likely pathogenic.

Dasa
Classification: Pathogenic. Last evaluated: 2026-03-04. Review status: criteria provided, single submitter. Criteria: DASA Assertion Criteria. Collection method: clinical testing. Allele origin: germline.
Comment: NM_001195263.2(PDZD7):c.166dup (p.Arg56Profs*24) introduces a premature termination codon predicted to result in loss of normal protein function. Loss-of-function is an established mechanism of disease for this gene. This variant has been reported in an affected individual with related phenotype in a genotype context consistent with recessive disease (PMID: 39498320). The variant is present at low frequency in population datasets. Based on the available data, this variant is classified as pathogenic.

3billion
Classification: Pathogenic for PDZD7-related disorder. Last evaluated: 2025-09-05. Review status: criteria provided, single submitter. Criteria: ACMG Guidelines, 2015. Collection method: clinical testing. Allele origin: germline. Affected: yes.
Comment: The variant is observed at an extremely low frequency in the gnomAD v4.1.0 dataset (total allele frequency: 0.005%). Predicted Consequence/Location: Frameshift: predicted to result in a loss or disruption of normal protein function through nonsense-mediated decay (NMD) or protein truncation. Multiple pathogenic variants are reported downstream of the variant. The variant has been reported at least twice as pathogenic with clinical assertions and evidence for the classification (ClinVar ID: VCV000030983 /PMID: 20440071). Therefore, this variant is classified as Pathogenic according to the recommendation of ACMG/AMP guideline.

Labcorp Genetics (formerly Invitae), Labcorp
Classification: Pathogenic. Last evaluated: 2025-01-29. Review status: criteria provided, single submitter. Criteria: Invitae Variant Classification Sherloc (09022015). Collection method: clinical testing. Allele origin: germline.
Comment: This sequence change creates a premature translational stop signal (p.Arg56Profs*24) in the PDZD7 gene. It is expected to result in an absent or disrupted protein product. Loss-of-function variants in PDZD7 are known to be pathogenic (PMID: 20440071). The frequency data for this variant in the population databases is considered unreliable, as metrics indicate poor data quality at this position in the gnomAD database. This premature translational stop signal has been observed in individual(s) with autosomal recessive non-syndromic hearing loss (PMID: 29048736). It has also been observed to segregate with disease in related individuals. ClinVar contains an entry for this variant (Variation ID: 30983). For these reasons, this variant has been classified as Pathogenic.

Blueprint Genetics
Classification: Pathogenic for PDZD7-related disorders. Last evaluated: 2024-11-15. Review status: criteria provided, single submitter. Criteria: ACMG Guidelines, 2015. Collection method: clinical testing. Allele origin: germline. Affected: yes. Observed: 5 variant alleles.

Genomic Medicine Center of Excellence, King Faisal Specialist Hospital and Research Centre
Classification: Pathogenic for Usher syndrome type 2C. Last evaluated: 2024-09-22. Review status: criteria provided, single submitter. Criteria: ACMG Guidelines, 2015. Collection method: clinical testing. Allele origin: germline.

GeneDx
Classification: Pathogenic. Last evaluated: 2024-07-24. Review status: criteria provided, single submitter. Criteria: GeneDx Variant Classification Process June 2021. Collection method: clinical testing. Allele origin: germline. Affected: yes.
Comment: Frameshift variant predicted to result in protein truncation or nonsense mediated decay in a gene for which loss of function is a known mechanism of disease; Identified in a patient with hearing loss who also harbored a variant in the USH2A gene in published literature (PMID: 38844983); Not observed at significant frequency in large population cohorts (gnomAD); This variant is associated with the following publications: (PMID: 26033081, 29048736, 31589614, 33105617, 20440071, 34416374, 38844983, 37561809, 36147510)

Laboratory of Human Genetics, Universidade de São Paulo
Classification: Pathogenic for Hearing loss, autosomal recessive. Last evaluated: 2024-05-01. Review status: criteria provided, single submitter. Criteria: ClinGen HL ACMG Specifications v1. Collection method: research. Allele origin: unknown. Affected: yes. Observed: 2 variant alleles.
Comment: The PDZD7:NM_001195263.2:c.166dup is a null variant in a gene where loss of function is a known mechanism of disease (PVS1), it is associated with a recessive disorder, detected in trans with a pathogenic variant, in compound heterozygous state in affected cases (PM3), has extremely low frequency in gnomAD population databases (PM2), reported in ClinVar in affected individuals (PP5); here it was found with c.2211del in two affected siblings born from unrelated couple.

Clinical Genomics Laboratory, Stanford Medicine
Classification: Pathogenic for Hearing loss, autosomal recessive 57. Last evaluated: 2023-05-15. Review status: criteria provided, single submitter. Criteria: ACMG Guidelines, 2015. Collection method: clinical testing. Allele origin: germline. Inheritance: Autosomal recessive inheritance. Observed: 1 variant allele, 1 heterozygote.
Comment: The p.Arg56Profs*24 variant in the PDZD7 gene has been previously reported in the compound heterozygous state with another truncating variant (c.1207del) in two siblings with autosomal recessive nonsyndromic hearing loss (PMID: 29048736). This variant has also been reported in the compound heterozygous state with a variant of uncertain significance (p.Arg102His) in an individual with hereditary hearing loss (PMID: 33105617). This variant has been identified in 4/24,738 African/African American chromosomes (21/281,512 chromosomes overall) by the Genome Aggregation Database. Although this variant has been seen in the general population, its frequency is low enough to be consistent with a recessive carrier frequency. This variant is present in ClinVar (Accession: VCV000030983.14). The p.Arg56Profs*24 variant results in a 1 bp duplication in exon 2 of 17 exons, causing a shift in the protein reading frame and leading to a premature termination codon 24 amino acids downstream. This variant is therefore predicted to undergo nonsense-mediated decay resulting in a truncated or absent protein. Loss-of-function is an established mechanism of disease for the PDZD7 gene (PMID: 26416264). These data were assessed using the ACMG/AMP variant interpretation guidelines. In summary, there is sufficient evidence to classify the p.Arg56Profs*24 variant as pathogenic for autosomal recessive nonsyndromic hearing loss based on the information above. [ACMG evidence codes used: PVS1; PM2_Supporting; PM3]

OMIM
Classification: risk factor for RETINAL DISEASE IN USHER SYNDROME TYPE IIA, MODIFIER OF. Last evaluated: 2010-06-01. Review status: no assertion criteria provided. Collection method: literature only. Allele origin: germline. Not counted in ClinVar's aggregate classification.

OMIM
Classification: Pathogenic for DEAFNESS, AUTOSOMAL RECESSIVE 57. Last evaluated: 2010-06-01. Review status: no assertion criteria provided. Collection method: literature only. Allele origin: germline. Not counted in ClinVar's aggregate classification.

Literature cited by the submitters: PubMed 39498320 (cited by Dasa); PubMed 20440071 (cited by 3 submitters); PubMed 29048736 (cited by 3 submitters); PubMed 33105617 (cited by Clinical Genomics Laboratory, Stanford Medicine); PubMed 26416264 (cited by Clinical Genomics Laboratory, Stanford Medicine).

NM_001195263.2(PDZD7):c.166dup (p.Arg56fs)

Gene: PDZD7 (PDZ domain containing 7; minus strand). Cytogenetic location: 10q24.31.
Variant type: Duplication.
Coding change: c.166dup on transcript NM_001195263.2 (MANE Select); coding-DNA position 166, one base duplicated (C; older notation c.166dupC).
Protein change: p.Arg56fs; shifts the reading frame from arginine 56.
Molecular consequence: frameshift variant.
Genome position (GRCh38, 1-based): chr10:101,030,054, G duplicated on the plus strand (C on the coding strand, the reverse complement: PDZD7 is on the minus strand); the first of 7 consecutive G bases (chr10:101,030,054-101,030,060); duplicating any one gives the same sequence. VCF-style (leftmost placement, unchanged base first): chr10-101030053-C-CG. GRCh37 (hg19) VCF-style: chr10-102789810-C-CG.
Other names: c.166dup, p.Arg56fs (NM_001351044.2, NM_024895.5); c.166dupC (NM_001195263.1); short protein forms R56fs.
Identifiers: ClinVar variation 30983 (VCV000030983.20), dbSNP rs587776894, ClinGen allele CA259967.